The following is an entry in ClinVar:

ClinVar aggregate classification (germline): Uncertain significance (1 of 4 stars; one submission).

Submission:

Labcorp Genetics (formerly Invitae), Labcorp
Classification: Uncertain significance. Last evaluated: 2024-02-17. Review status: criteria provided, single submitter. Criteria: Invitae Variant Classification Sherloc (09022015). Collection method: clinical testing. Allele origin: germline.
Comment: This sequence change replaces alanine, which is neutral and non-polar, with proline, which is neutral and non-polar, at codon 287 of the LRRK1 protein (p.Ala287Pro). This variant is not present in population databases (gnomAD no frequency). This variant has not been reported in the literature in individuals affected with LRRK1-related conditions. ClinVar contains an entry for this variant (Variation ID: 1468250). An algorithm developed to predict the effect of missense changes on protein structure and function (PolyPhen-2) suggests that this variant is likely to be tolerated. In summary, the available evidence is currently insufficient to determine the role of this variant in disease. Therefore, it has been classified as a Variant of Uncertain Significance.

NM_024652.6(LRRK1):c.859G>C (p.Ala287Pro)

Gene: LRRK1 (leucine rich repeat kinase 1; plus strand). Cytogenetic location: 15q26.3.
Variant type: single nucleotide variant.
Coding change: c.859G>C on transcript NM_024652.6 (MANE Select); coding-DNA position 859, G replaced by C.
Protein change: p.Ala287Pro; replaces alanine 287 with proline.
Molecular consequence: missense variant.
Genome position (GRCh38, 1-based): chr15:101,008,933, G>C. VCF-style: chr15-101008933-G-C. GRCh37 (hg19) VCF-style: chr15-101549138-G-C.
Other names: short protein forms A287P.
Identifiers: ClinVar variation 1468250 (VCV001468250.6), dbSNP rs2141691592, ClinGen allele CA393955133.
Genomic context (GRCh38, chr15:101,008,933, plus strand): 5'-TGGGTAGACCTAGACTGGCTCATAGACATCTCCTGCCAGATCACGGAGCTCGACCTTTCT[G>C]CCAACTGCCTGGCGACCCTCCCCTCGGTTATCCCCTGGGGCCTCATCAATCTCCGGAAGC-3'
Protein context (NP_078928.3, residues 277-297): SCQITELDLS[Ala287Pro]NCLATLPSVI